The following is an entry in ClinVar:

ClinVar aggregate classification (germline): Likely benign. Review status: criteria provided, single submitter (1 of 4 stars). 2 submissions from 2 submitters: Likely benign (1). 1 of the submissions does not count toward it. Last evaluated 2025-04-07.

Conditions:
KLHDC8B-related disorder. Also called: KLHDC8B-related condition.

Allele frequency attached by ClinVar (database versions not stated): TOPMed 0.00005; gnomAD exomes 0.00006; gnomAD 0.00008; ExAC 0.00015.

Submissions (2):

Labcorp Genetics (formerly Invitae), Labcorp
Classification: Likely benign. Last evaluated: 2025-04-07. Review status: criteria provided, single submitter. Criteria: Invitae Variant Classification Sherloc (09022015). Collection method: clinical testing. Allele origin: germline.

PreventionGenetics, part of Exact Sciences
Classification: Likely benign for KLHDC8B-related condition. Last evaluated: 2023-11-08. Review status: no assertion criteria provided. Collection method: clinical testing. Allele origin: germline. Not counted in ClinVar's aggregate classification.
Comment: This variant is classified as likely benign based on ACMG/AMP sequence variant interpretation guidelines (Richards et al. 2015 PMID: 25741868, with internal and published modifications).

NM_173546.3(KLHDC8B):c.478T>G (p.Ser160Ala)

Gene: KLHDC8B (kelch domain containing 8B; plus strand). Cytogenetic location: 3p21.31.
Variant type: single nucleotide variant.
Coding change: c.478T>G on transcript NM_173546.3 (MANE Select); coding-DNA position 478, T replaced by G.
Protein change: p.Ser160Ala; replaces serine 160 with alanine.
Molecular consequence: missense variant.
Genome position (GRCh38, 1-based): chr3:49,174,340, T>G. VCF-style: chr3-49174340-T-G. GRCh37 (hg19) VCF-style: chr3-49211773-T-G.
Other names: c.478T>G (NM_173546.2); short protein forms S160A.
Identifiers: ClinVar variation 2079245 (VCV002079245.6), dbSNP rs776104000, ClinGen allele CA2395501.